The following is an entry in ClinVar:

NM_005045.4(RELN):c.929T>A (p.Ile310Asn)

Gene: RELN (reelin; minus strand). Cytogenetic location: 7q22.1.
Variant type: single nucleotide variant.
Coding change: c.929T>A on transcript NM_005045.4 (MANE Select); coding-DNA position 929, T replaced by A.
Protein change: p.Ile310Asn; replaces isoleucine 310 with asparagine.
Molecular consequence: missense variant.
Genome position (GRCh38, 1-based): chr7:103,698,067, A>T on the plus strand (T>A on the coding strand, the complement: RELN is on the minus strand). VCF-style: chr7-103698067-A-T. GRCh37 (hg19) VCF-style: chr7-103338514-A-T.
Other names: c.929T>A, p.Ile310Asn (NM_173054.3); short protein forms I310N.
Identifiers: ClinVar variation 1055617 (VCV001055617.9), dbSNP rs1351187654, ClinGen allele CA368927867.
Genomic context (GRCh38, chr7:103,698,067, plus strand): 5'-TGCTTCCACTGAAATTGGACATTCTCCCCTTTGGCGTCCTCAGGAAGGTAGAGGATATGG[A>T]TGATTGTGCTGACATTGGAAGGGGCTCTGGAACATACAGAGAGATGGCAAGTTTAGCAAT-3'
Protein context (NP_005036.2, residues 300-320): IRAPSNVSTI[Ile310Asn]HILYLPEDAK

ClinVar aggregate classification (germline): Uncertain significance (1 of 4 stars; one submission).

Conditions:
Norman-Roberts syndrome (LIS2). Also called: Lissencephaly 2 (Norman-Roberts type). Identifiers: Orphanet 89844, MedGen C0796089, MONDO:0009760, OMIM 257320.
Familial temporal lobe epilepsy 7. Identifiers: Orphanet 101046, MedGen C4225327, MONDO:0014639, OMIM 616436.

Submission:

Labcorp Genetics (formerly Invitae), Labcorp
Classification: Uncertain significance for Familial temporal lobe epilepsy 7; Norman-Roberts syndrome. Last evaluated: 2020-08-08. Review status: criteria provided, single submitter. Criteria: Invitae Variant Classification Sherloc (09022015). Collection method: clinical testing. Allele origin: germline.
Comment: Algorithms developed to predict the effect of missense changes on protein structure and function are either unavailable or do not agree on the potential impact of this missense change (SIFT: "Deleterious"; PolyPhen-2: "Possibly Damaging"; Align-GVGD: "Class C0"). In summary, the available evidence is currently insufficient to determine the role of this variant in disease. Therefore, it has been classified as a Variant of Uncertain Significance. This sequence change replaces isoleucine with asparagine at codon 310 of the RELN protein (p.Ile310Asn). The isoleucine residue is highly conserved and there is a large physicochemical difference between isoleucine and asparagine. This variant has not been reported in the literature in individuals with RELN-related conditions. This variant is not present in population databases (ExAC no frequency).